The following is an entry in ClinVar:

ClinVar aggregate classification (germline): Uncertain significance (1 of 4 stars; one submission).

Submission:

Labcorp Genetics (formerly Invitae), Labcorp
Classification: Uncertain significance. Last evaluated: 2024-05-04. Review status: criteria provided, single submitter. Criteria: Invitae Variant Classification Sherloc (09022015). Collection method: clinical testing. Allele origin: germline.
Comment: This sequence change replaces glutamic acid, which is acidic and polar, with glutamine, which is neutral and polar, at codon 241 of the LOX protein (p.Glu241Gln). This variant is not present in population databases (gnomAD no frequency). This variant has not been reported in the literature in individuals affected with LOX-related conditions. Advanced modeling of protein sequence and biophysical properties (such as structural, functional, and spatial information, amino acid conservation, physicochemical variation, residue mobility, and thermodynamic stability) has been performed at Invitae for this missense variant, however the output from this modeling did not meet the statistical confidence thresholds required to predict the impact of this variant on LOX protein function. In summary, the available evidence is currently insufficient to determine the role of this variant in disease. Therefore, it has been classified as a Variant of Uncertain Significance.

NM_002317.7(LOX):c.721G>C (p.Glu241Gln)

Genes: LOX (lysyl oxidase; minus strand), SRFBP1 (serum response factor binding protein 1; plus strand). Cytogenetic location: 5q23.1.
Variant type: single nucleotide variant.
Coding change: c.721G>C on transcript NM_002317.7 (MANE Select); coding-DNA position 721, G replaced by C.
Protein change: p.Glu241Gln; replaces glutamic acid 241 with glutamine.
Molecular consequence: missense variant. On other transcripts: intron variant (1).
Genome position (GRCh38, 1-based): chr5:122,076,912, C>G on the plus strand (G>C on the coding strand, the complement: LOX is on the minus strand). VCF-style: chr5-122076912-C-G. GRCh37 (hg19) VCF-style: chr5-121412607-C-G.
Other names: c.31G>C, p.Glu11Gln (NM_001178102.2); c.-152+180G>C (NM_001317073.1); short protein forms E11Q, E241Q.
Identifiers: ClinVar variation 3652117 (VCV003652117.2).